The following is an entry in ClinVar:

ClinVar aggregate classification (germline): Likely pathogenic (1 of 4 stars; one submission).

Conditions:
Ullrich congenital muscular dystrophy 1C (UCMD1C). Identifiers: MedGen C5935583, MONDO:0958236, OMIM 620728.
Dystonia 27 (DYT27). Identifiers: Orphanet 464440, MedGen C4225336, MONDO:0014627, OMIM 616411.
Bethlem myopathy 1C (BTHLM1C). Identifiers: MedGen C5935581, MONDO:0958234, OMIM 620726.

Submission:

Juno Genomics, Hangzhou Juno Genomics, Inc
Classification: Likely pathogenic for Bethlem myopathy 1C; Ullrich congenital muscular dystrophy 1C; Dystonia 27. Review status: criteria provided, single submitter. Criteria: ACMG Guidelines, 2015. Collection method: clinical testing. Allele origin: germline.
Comment: Null variant in a gene where loss of function (LOF) is a known mechanism of disease.;Absent from controls (or at extremely low frequency if recessive) in Genome Aggregation Database.

NM_004369.4(COL6A3):c.2393_2394del (p.Leu798fs)

Gene: COL6A3 (collagen type VI alpha 3 chain; minus strand). Cytogenetic location: 2q37.3.
Variant type: Microsatellite.
Coding change: c.2393_2394del on transcript NM_004369.4 (MANE Select); coding-DNA positions 2393 to 2394, 2 bases deleted (TC; older notation c.2393_2394delTC).
Protein change: p.Leu798fs; shifts the reading frame from leucine 798.
Molecular consequence: frameshift variant. On other transcripts: intron variant (1).
Genome position (GRCh38, 1-based): chr2:237,378,739-237,378,740, GA deleted on the plus strand (TC on the coding strand, the reverse complement: COL6A3 is on the minus strand); deleting any 2 consecutive bases within chr2:237,378,739-237,378,742 gives the same sequence; the c. name uses the placement nearest the transcript's 3' end. VCF-style (leftmost placement, unchanged base first): chr2-237378738-TGA-T. GRCh37 (hg19) VCF-style: chr2-238287381-TGA-T.
Other names: c.1172_1173del, p.Leu391fs (NM_057164.5); c.1775_1776del, p.Leu592fs (NM_057165.5, NM_057167.4); c.677-1396_677-1395del (NM_057166.5); short protein forms L592fs, L798fs, L391fs.
Identifiers: ClinVar variation 5006254 (VCV005006254.2).